The following is an entry in ClinVar:

ClinVar aggregate classification (germline): Conflicting classifications of pathogenicity. Review status: criteria provided, conflicting classifications (1 of 4 stars). 3 submissions from 3 submitters: Uncertain significance (1); Likely benign (2). Last evaluated 2025-06-24.

Conditions:
Hereditary cancer-predisposing syndrome. Also called: Hereditary Cancer Syndrome; Hereditary neoplastic syndrome; Tumor predisposition; Neoplastic Syndromes, Hereditary. Identifiers: Orphanet 140162, MedGen C0027672, MeSH D009386, MONDO:0015356.
Hereditary breast ovarian cancer syndrome. Also called: Hereditary breast and ovarian cancer syndrome; Breast and ovarian cancer; Hereditary breast and ovarian cancer; Hereditary breast and/or ovarian cancer syndrome; Hereditary breast and ovarian cancer syndrome (HBOC); BRCA1- and BRCA2-Associated Hereditary Breast and Ovarian Cancer. Identifiers: Orphanet 145, MedGen C0677776, MeSH D061325, MONDO:0003582. Disease mechanism: loss of function.

Submissions (3):

Ambry Genetics
Classification: Likely benign for Hereditary cancer-predisposing syndrome. Last evaluated: 2025-06-24. Review status: criteria provided, single submitter. Criteria: Ambry Variant Classification Scheme 2023. Collection method: clinical testing. Allele origin: germline.

Quest Diagnostics Nichols Institute San Juan Capistrano
Classification: Uncertain significance. Last evaluated: 2024-11-05. Review status: criteria provided, single submitter. Criteria: Quest Diagnostics criteria. Collection method: clinical testing. Allele origin: unknown.
Comment: The BRCA2 c.8574A>G (p.Gln2858=) synonymous variant has not been reported in individuals with BRCA2-related conditions in the published literature. It also has not been reported in large, multi-ethnic general populations (Genome Aggregation Database). Analysis of this variant using software algorithms for the prediction of the effect of nucleotide changes on splicing yielded predictions that this variant does not affect BRCA2 mRNA splicing. Based on the available information, we are unable to determine the clinical significance of this variant.

Labcorp Genetics (formerly Invitae), Labcorp
Classification: Likely benign for Hereditary breast ovarian cancer syndrome. Last evaluated: 2024-10-24. Review status: criteria provided, single submitter. Criteria: Invitae Variant Classification Sherloc (09022015). Collection method: clinical testing. Allele origin: germline.

NM_000059.4(BRCA2):c.8574A>G (p.Gln2858=)

Gene: BRCA2 (BRCA2 DNA repair associated; plus strand). Cytogenetic location: 13q13.1.
Variant type: single nucleotide variant.
Coding change: c.8574A>G on transcript NM_000059.4 (MANE Select); coding-DNA position 8574, A replaced by G.
Protein change: p.Gln2858=; no amino-acid change (glutamine 2858 retained).
Molecular consequence: synonymous variant. On other transcripts: non-coding transcript variant (1).
Genome position (GRCh38, 1-based): chr13:32,371,042, A>G. VCF-style: chr13-32371042-A-G. GRCh37 (hg19) VCF-style: chr13-32945179-A-G.
Other names: c.8478A>G, p.Gln2826= (NM_001406719.1); c.8574A>G, p.Gln2858= (NM_001406720.1, NM_001432077.1); c.3642A>G, p.Gln1214= (NM_001406721.1); c.2157A>G, p.Gln719= (NM_001406722.1).
Identifiers: ClinVar variation 3572371 (VCV003572371.4).
Genomic context (GRCh38, chr13:32,371,042, plus strand): 5'-ATACATATTTCGCAATGAAAGAGAGGAAGAAAAGGAAGCAGCAAAATATGTGGAGGCCCA[A>G]CAAAAGAGACTAGAAGCCTTATTCACTAAAATTCAGGAGGAATTTGAAGAACATGAAGGT-3'
Protein context (NP_000050.3, residues 2848-2868): EKEAAKYVEA[Gln2858=]QKRLEALFTK